The following is an entry in ClinVar:

NM_001458.5(FLNC):c.3553G>A (p.Glu1185Lys)

Gene: FLNC (filamin C; plus strand). Cytogenetic location: 7q32.1.
Variant type: single nucleotide variant.
Coding change: c.3553G>A on transcript NM_001458.5 (MANE Select); coding-DNA position 3553, G replaced by A.
Protein change: p.Glu1185Lys; replaces glutamic acid 1185 with lysine.
Molecular consequence: missense variant.
Genome position (GRCh38, 1-based): chr7:128,845,018, G>A. VCF-style: chr7-128845018-G-A. GRCh37 (hg19) VCF-style: chr7-128485072-G-A.
Other names: c.3553G>A, p.Glu1185Lys (NM_001127487.2); short protein forms E1185K.
Identifiers: ClinVar variation 382671 (VCV000382671.7), dbSNP rs912926530, ClinGen allele CA16605647.

ClinVar aggregate classification (germline): Conflicting classifications of pathogenicity. Review status: criteria provided, conflicting classifications (1 of 4 stars). 3 submissions from 3 submitters: Uncertain significance (2); Likely benign (1). Last evaluated 2024-12-22.

Conditions:
Cardiovascular phenotype. Identifiers: MedGen CN230736.
Myofibrillar myopathy 5. Also called: Filaminopathy (type); FILAMINOPATHY, AUTOSOMAL DOMINANT. Identifiers: Orphanet 171445, MedGen C1836050, MONDO:0012289, OMIM 609524.
Hypertrophic cardiomyopathy 26. Also called: Cardiomyopathy, familial hypertrophic, 26. Identifiers: Orphanet 75249, MedGen C4310749, MONDO:0014883, OMIM 617047.
Distal myopathy with posterior leg and anterior hand involvement. Also called: WILLIAMS DISTAL MYOPATHY. Identifiers: Orphanet 63273, MedGen C3279722, MONDO:0013550, OMIM 614065.

Allele frequency attached by ClinVar (database versions not stated): gnomAD 0.00001; gnomAD exomes 0.00001; TOPMed 0.00001.
gnomAD v4.1: 12 of 1,613,674 alleles (0.00074%); highest among the groups gnomAD compares: South Asian, 0.0022%; no homozygotes.

Submissions (3):

Labcorp Genetics (formerly Invitae), Labcorp
Classification: Uncertain significance for Distal myopathy with posterior leg and anterior hand involvement; Myofibrillar myopathy 5; Hypertrophic cardiomyopathy 26. Last evaluated: 2024-12-22. Review status: criteria provided, single submitter. Criteria: Invitae Variant Classification Sherloc (09022015). Collection method: clinical testing. Allele origin: germline.
Comment: This sequence change replaces glutamic acid, which is acidic and polar, with lysine, which is basic and polar, at codon 1185 of the FLNC protein (p.Glu1185Lys). This variant is present in population databases (no rsID available, gnomAD 0.003%). This variant has not been reported in the literature in individuals affected with FLNC-related conditions. ClinVar contains an entry for this variant (Variation ID: 382671). Invitae Evidence Modeling of protein sequence and biophysical properties (such as structural, functional, and spatial information, amino acid conservation, physicochemical variation, residue mobility, and thermodynamic stability) has been performed for this missense variant. However, the output from this modeling did not meet the statistical confidence thresholds required to predict the impact of this variant on FLNC protein function. In summary, the available evidence is currently insufficient to determine the role of this variant in disease. Therefore, it has been classified as a Variant of Uncertain Significance.

Ambry Genetics
Classification: Uncertain significance for Cardiovascular phenotype. Last evaluated: 2024-11-18. Review status: criteria provided, single submitter. Criteria: Ambry Variant Classification Scheme 2023. Collection method: clinical testing. Allele origin: germline.
Comment: The p.E1185K variant (also known as c.3553G>A), located in coding exon 21 of the FLNC gene, results from a G to A substitution at nucleotide position 3553. The glutamic acid at codon 1185 is replaced by lysine, an amino acid with similar properties. This amino acid position is conserved. In addition, this alteration is predicted to be tolerated by in silico analysis. Since supporting evidence is limited at this time, the clinical significance of this alteration remains unclear.

GeneDx
Classification: Likely benign. Last evaluated: 2016-02-10. Review status: criteria provided, single submitter. Criteria: GeneDx Variant Classification (06012015). Collection method: clinical testing. Allele origin: germline. Affected: yes.
Comment: This variant is considered likely benign or benign based on one or more of the following criteria: it is a conservative change, it occurs at a poorly conserved position in the protein, it is predicted to be benign by multiple in silico algorithms, and/or has population frequency not consistent with disease.